The following is an entry in ClinVar:

NM_000263.4(NAGLU):c.2222G>A (p.Gly741Asp)

Gene: NAGLU (N-acetyl-alpha-glucosaminidase; plus strand). Cytogenetic location: 17q21.2.
Variant type: single nucleotide variant.
Coding change: c.2222G>A on transcript NM_000263.4 (MANE Select); coding-DNA position 2222, G replaced by A.
Protein change: p.Gly741Asp; replaces glycine 741 with aspartic acid.
Molecular consequence: missense variant.
Genome position (GRCh38, 1-based): chr17:42,544,228, G>A. VCF-style: chr17-42544228-G-A. GRCh37 (hg19) VCF-style: chr17-40696246-G-A.
Other names: short protein forms G741D.
Identifiers: ClinVar variation 1366363 (VCV001366363.8), dbSNP rs1455286651, ClinGen allele CA399606528.

ClinVar aggregate classification (germline): Uncertain significance (1 of 4 stars; one submission).

Conditions:
Charcot-Marie-Tooth disease axonal type 2V. Also called: CHARCOT-MARIE-TOOTH NEUROPATHY, TYPE 2V; CHARCOT-MARIE-TOOTH DISEASE, AXONAL, AUTOSOMAL DOMINANT, TYPE 2V. Identifiers: Orphanet 447964, MedGen C5569050, MONDO:0014665, OMIM 616491.
Mucopolysaccharidosis, MPS-III-B (MPS3B). Also called: MPS IIIB (Sanfilippo Syndrome Type B); N-ACETYL-ALPHA-D-GLUCOSAMINIDASE DEFICIENCY; NAGLU DEFICIENCY; MUCOPOLYSACCHARIDOSIS, TYPE IIIB; Mucopolysaccharidosis type IIIB (Sanfilippo B); SANFILIPPO SYNDROME B. Identifiers: Orphanet 79270, MedGen C0086648, MONDO:0009656, OMIM 252920.

Allele frequency attached by ClinVar (database versions not stated): gnomAD exomes below 0.00001; TOPMed below 0.00001; gnomAD 0.00001.
gnomAD v4.1: 2 of 1,609,240 alleles (0.00012%); highest among the groups gnomAD compares: African/African-American, 0.0027%; no homozygotes.

Submission:

Labcorp Genetics (formerly Invitae), Labcorp
Classification: Uncertain significance for Charcot-Marie-Tooth disease axonal type 2V; Mucopolysaccharidosis, MPS-III-B. Last evaluated: 2021-07-08. Review status: criteria provided, single submitter. Criteria: Invitae Variant Classification Sherloc (09022015). Collection method: clinical testing. Allele origin: germline.
Comment: This sequence change replaces glycine with aspartic acid at codon 741 of the NAGLU protein (p.Gly741Asp). The glycine residue is weakly conserved and there is a moderate physicochemical difference between glycine and aspartic acid. This variant is not present in population databases (ExAC no frequency). This variant has not been reported in the literature in individuals affected with NAGLU-related conditions. Advanced modeling of protein sequence and biophysical properties (such as structural, functional, and spatial information, amino acid conservation, physicochemical variation, residue mobility, and thermodynamic stability) performed at Invitae indicates that this missense variant is not expected to disrupt NAGLU protein function. In summary, the available evidence is currently insufficient to determine the role of this variant in disease. Therefore, it has been classified as a Variant of Uncertain Significance.